The following is an entry in ClinVar:

ClinVar aggregate classification (germline): Conflicting classifications of pathogenicity. Review status: criteria provided, conflicting classifications (1 of 4 stars). 5 submissions from 5 submitters: Uncertain significance (1); Benign (1); Likely benign (3). Last evaluated 2026-01-19.

Conditions:
Hereditary cancer-predisposing syndrome. Also called: Neoplastic Syndromes, Hereditary; Hereditary neoplastic syndrome; Tumor predisposition; Hereditary Cancer Syndrome. Identifiers: Orphanet 140162, MedGen C0027672, MeSH D009386, MONDO:0015356.
Familial cancer of breast. Also called: hereditary breast carcinoma; Hereditary breast cancer; BREAST CANCER, FAMILIAL. Identifiers: Orphanet 227535, MedGen C0346153, MONDO:0016419, OMIM 114480. Disease mechanism: loss of function.
Ataxia-telangiectasia syndrome (AT). Also called: Ataxia telangiectasia (A-T); Cerebello-oculocutaneous telangiectasia; Immunodeficiency with ataxia telangiectasia; LOUIS-BAR SYNDROME; AT, COMPLEMENTATION GROUP C; ATAXIA-TELANGIECTASIA, FRESNO VARIANT. Identifiers: Orphanet 100, MedGen C0004135, MONDO:0008840, OMIM 208900.

Submissions (5):

Labcorp Genetics (formerly Invitae), Labcorp
Classification: Benign for Ataxia-telangiectasia syndrome. Last evaluated: 2026-01-19. Review status: criteria provided, single submitter. Criteria: Invitae Variant Classification Sherloc (09022015). Collection method: clinical testing. Allele origin: germline.

Department of Pathology and Laboratory Medicine, Sinai Health System
Classification: Likely benign for Familial cancer of breast. Last evaluated: 2023-10-02. Review status: criteria provided, single submitter. Criteria: ACMG Guidelines, 2015. Collection method: clinical testing. Allele origin: germline. Affected: yes.

Sema4
Classification: Uncertain significance for Hereditary cancer-predisposing syndrome. Last evaluated: 2021-08-24. Review status: criteria provided, single submitter. Criteria: Sema4 Curation Guidelines. Collection method: curation. Allele origin: germline.
Comment: The ATM c.6975+13delT variant has not been reported in the literature to our knowledge. It was observed in 2/24810 chromosomes of the African/African American subpopulation in the large and broad cohorts of the Genome Aggregation Database (PMID: 32461654). This variant has been reported in ClinVar (Variation ID 221114). The evidence is insufficient to meet ACMG/AMP criteria for classifying the variant as benign or pathogenic. Thus, the clinical significance of this variant is currently uncertain.

Color Diagnostics, LLC DBA Color Health
Classification: Likely benign for Hereditary cancer-predisposing syndrome. Last evaluated: 2018-02-06. Review status: criteria provided, single submitter. Criteria: ACMG Guidelines, 2015. Collection method: clinical testing. Allele origin: germline.

GeneDx
Classification: Likely benign. Last evaluated: 2017-06-28. Review status: criteria provided, single submitter. Criteria: GeneDx Variant Classification (06012015). Collection method: clinical testing. Allele origin: germline. Affected: yes.
Comment: This variant is considered likely benign or benign based on one or more of the following criteria: it is a conservative change, it occurs at a poorly conserved position in the protein, it is predicted to be benign by multiple in silico algorithms, and/or has population frequency not consistent with disease.

NM_000051.4(ATM):c.6975+13del

Genes: ATM (ATM serine/threonine kinase; plus strand), C11orf65 (chromosome 11 open reading frame 65; minus strand). Cytogenetic location: 11q22.3.
Variant type: Deletion.
Coding change: c.6975+13del on transcript NM_000051.4 (MANE Select); 13 bases into the intron after coding-DNA position 6975, one base deleted (T; older notation c.6975+13delT).
Molecular consequence: intron variant.
Genome position (GRCh38, 1-based): chr11:108,326,238, T deleted; the last of 8 consecutive T bases (chr11:108,326,231-108,326,238); deleting any one gives the same sequence. VCF-style (leftmost placement, unchanged base first): chr11-108326230-GT-G. GRCh37 (hg19) VCF-style: chr11-108196957-GT-G.
Other names: c.6975+13del (NM_001351834.2); c.641-17160del (NM_001330368.2); c.*38+8989del (NM_001351110.2); c.6975+13delT (NM_000051.3).
Identifiers: ClinVar variation 221114 (VCV000221114.16), dbSNP rs763287238, ClinGen allele CA348275.
Genomic context (GRCh38, chr11:108,326,230, plus strand): 5'-TTGCCCTGAGTATTCTCAAGCAAATGATCAAGAAGTTGGATGCCAGCTGTGCAGCGGTTT[GT>G]TTTTTTTATTGGCTGGATTAGTGTTTTACTGTTATTTAAAAAAACACAAATGTACTTTAA-3'